The following is an entry in ClinVar:

ClinVar aggregate classification (germline): Uncertain significance (1 of 4 stars; one submission).

Conditions:
Hypertrophic cardiomyopathy. Also called: HYPERTROPHIC MYOCARDIOPATHY. Identifiers: Orphanet 217569, MedGen C0007194, MeSH D002312, MONDO:0005045, HP:0001639.

Allele frequency attached by ClinVar (database versions not stated): gnomAD exomes below 0.00001 and 0.00002; ExAC 0.00002.
gnomAD v4.1: 6 of 1,613,776 alleles (0.00037%); highest among the groups gnomAD compares: South Asian, 0.0044%; no homozygotes.

Submission:

Labcorp Genetics (formerly Invitae), Labcorp
Classification: Uncertain significance for Hypertrophic cardiomyopathy. Last evaluated: 2023-06-23. Review status: criteria provided, single submitter. Criteria: Invitae Variant Classification Sherloc (09022015). Collection method: clinical testing. Allele origin: germline.
Comment: In summary, the available evidence is currently insufficient to determine the role of this variant in disease. Therefore, it has been classified as a Variant of Uncertain Significance. Advanced modeling of protein sequence and biophysical properties (such as structural, functional, and spatial information, amino acid conservation, physicochemical variation, residue mobility, and thermodynamic stability) performed at Invitae indicates that this missense variant is expected to disrupt MYOM1 protein function. This sequence change replaces aspartic acid, which is acidic and polar, with glycine, which is neutral and non-polar, at codon 1149 of the MYOM1 protein (p.Asp1149Gly). This variant is present in population databases (rs781109917, gnomAD 0.007%). This variant has not been reported in the literature in individuals affected with MYOM1-related conditions. ClinVar contains an entry for this variant (Variation ID: 1397269).

NM_003803.4(MYOM1):c.3446A>G (p.Asp1149Gly)

Gene: MYOM1 (myomesin 1; minus strand). Cytogenetic location: 18p11.31.
Variant type: single nucleotide variant.
Coding change: c.3446A>G on transcript NM_003803.4 (MANE Select); coding-DNA position 3446, A replaced by G.
Protein change: p.Asp1149Gly; replaces aspartic acid 1149 with glycine.
Molecular consequence: missense variant.
Genome position (GRCh38, 1-based): chr18:3,102,603, T>C on the plus strand (A>G on the coding strand, the complement: MYOM1 is on the minus strand). VCF-style: chr18-3102603-T-C. GRCh37 (hg19) VCF-style: chr18-3102601-T-C.
Other names: c.3158A>G, p.Asp1053Gly (NM_019856.2); short protein forms D1053G, D1149G.
Identifiers: ClinVar variation 1397269 (VCV001397269.6), dbSNP rs781109917, ClinGen allele CA8874282.